The following is an entry in ClinVar:

ClinVar aggregate classification (germline): Uncertain significance (1 of 4 stars; one submission).

Conditions:
Spastic paraplegia. Identifiers: MedGen C0037772, HP:0001258.

Allele frequency attached by ClinVar (database versions not stated): gnomAD 0.00001.
gnomAD v4.1: 10 of 1,613,584 alleles (0.00062%); highest among the groups gnomAD compares: African/African-American, 0.0013%; no homozygotes.

Submission:

Labcorp Genetics (formerly Invitae), Labcorp
Classification: Uncertain significance for Spastic paraplegia. Last evaluated: 2018-05-07. Review status: criteria provided, single submitter. Criteria: Invitae Variant Classification Sherloc (09022015). Collection method: clinical testing. Allele origin: germline.
Comment: In summary, the available evidence is currently insufficient to determine the role of this variant in disease. Therefore, it has been classified as a Variant of Uncertain Significance. Algorithms developed to predict the effect of missense changes on protein structure and function (SIFT, PolyPhen-2, Align-GVGD) all suggest that this variant is likely to be disruptive, but these predictions have not been confirmed by published functional studies and their clinical significance is uncertain. This variant has not been reported in the literature in individuals with SLC33A1-related disease. This variant is present in population databases (rs771681797, ExAC 0.002%). This sequence change replaces alanine with valine at codon 346 of the SLC33A1 protein (p.Ala346Val). The alanine residue is highly conserved and there is a small physicochemical difference between alanine and valine.

NM_004733.4(SLC33A1):c.1037C>T (p.Ala346Val)

Gene: SLC33A1 (solute carrier family 33 member 1; minus strand). Cytogenetic location: 3q25.31.
Variant type: single nucleotide variant.
Coding change: c.1037C>T on transcript NM_004733.4 (MANE Select); coding-DNA position 1037, C replaced by T.
Protein change: p.Ala346Val; replaces alanine 346 with valine.
Molecular consequence: missense variant. On other transcripts: synonymous variant (1).
Genome position (GRCh38, 1-based): chr3:155,833,968, G>A on the plus strand (C>T on the coding strand, the complement: SLC33A1 is on the minus strand). VCF-style: chr3-155833968-G-A. GRCh37 (hg19) VCF-style: chr3-155551757-G-A.
Other names: c.1037C>T, p.Ala346Val (NM_001190992.2); c.849C>T, p.Ser283= (NM_001363883.1); short protein forms A346V.
Identifiers: ClinVar variation 580211 (VCV000580211.8), dbSNP rs771681797, ClinGen allele CA2677332.